The following is an entry in ClinVar:

ClinVar aggregate classification (germline): Pathogenic (1 of 4 stars; one submission).

Conditions:
Neurofibromatosis, type 2 (SWNV). Also called: BILATERAL ACOUSTIC NEUROFIBROMATOSIS; NF2-Related Schwannomatosis; SCHWANNOMATOSIS, VESTIBULAR. Identifiers: Orphanet 637, MedGen C0027832, MONDO:0007039, OMIM 101000. Disease mechanism: loss of function.

Submission:

Labcorp Genetics (formerly Invitae), Labcorp
Classification: Pathogenic for Neurofibromatosis, type 2. Last evaluated: 2025-03-30. Review status: criteria provided, single submitter. Criteria: Invitae Variant Classification Sherloc (09022015). Collection method: clinical testing. Allele origin: germline.
Comment: This sequence change creates a premature translational stop signal (p.Leu398Trpfs*28) in the NF2 gene. It is expected to result in an absent or disrupted protein product. Loss-of-function variants in NF2 are known to be pathogenic (PMID: 9643284, 16983642). This variant is not present in population databases (gnomAD no frequency). This variant has not been reported in the literature in individuals affected with NF2-related conditions. For these reasons, this variant has been classified as Pathogenic.

Literature cited by the submitters: PubMed 9643284; PubMed 16983642.

NM_000268.4(NF2):c.1192del (p.Leu398fs)

Gene: NF2 (NF2, moesin-ezrin-radixin like (MERLIN) tumor suppressor; plus strand). Cytogenetic location: 22q12.2.
Variant type: Deletion.
Coding change: c.1192del on transcript NM_000268.4 (MANE Select); coding-DNA position 1192, one base deleted (C; older notation c.1192delC).
Protein change: p.Leu398fs; shifts the reading frame from leucine 398.
Molecular consequence: frameshift variant. On other transcripts: intron variant (1).
Genome position (GRCh38, 1-based): chr22:29,673,338, C deleted. VCF-style (leftmost placement, unchanged base first): chr22-29673337-TC-T. GRCh37 (hg19) VCF-style: chr22-30069326-TC-T.
Other names: c.943del, p.Leu315fs (NM_001407064.1, NM_181830.3, NM_181831.3 and 1 more transcripts); c.658del, p.Leu220fs (NM_001407065.1); c.1192del, p.Leu398fs (NM_001407066.1, NM_016418.5, NM_181825.3 and 2 more transcripts); c.961del, p.Leu321fs (NM_001407067.1); c.1066del, p.Leu356fs (NM_181828.3, NM_001407055.1); c.1069del, p.Leu357fs (NM_181829.3, NM_001407054.1, NM_001407058.1); c.1078del, p.Leu360fs (NM_001407053.1, NM_001407056.1); c.1057del, p.Leu353fs (NM_001407057.1, NM_001407059.1); and 2 more; short protein forms L312fs, L321fs, L398fs, L220fs, L356fs, L360fs, L315fs, L353fs.
Identifiers: ClinVar variation 4716267 (VCV004716267.1).